The following is an entry in ClinVar:

ClinVar aggregate classification (germline): Conflicting classifications of pathogenicity. Review status: criteria provided, conflicting classifications (1 of 4 stars). 4 submissions from 4 submitters: Uncertain significance (2); Likely benign (1). 1 of the submissions does not count toward it. Last evaluated 2025-10-08.

Conditions:
NOBOX-related disorder. Also called: NOBOX-related condition.
Premature ovarian failure 5 (POF5). Identifiers: MedGen C1969060, MONDO:0012689, OMIM 611548.

Allele frequency attached by ClinVar (database versions not stated): ESP Exome Variant Server 0.00079; 1000 Genomes Project 30x 0.00094; 1000 Genomes Project 0.00100; gnomAD 0.00147; TOPMed 0.00163.
gnomAD v4.1: 518 of 1,518,808 alleles (0.034%); highest among the groups gnomAD compares: African/African-American, 0.53%; no homozygotes.

Submissions (4):

GeneDx
Classification: Uncertain significance. Last evaluated: 2025-10-08. Review status: criteria provided, single submitter. Criteria: GeneDx Variant Classification Process June 2021. Collection method: clinical testing. Allele origin: germline. Affected: yes.
Comment: In silico analysis supports that this missense variant has a deleterious effect on protein structure/function; Has not been previously published as pathogenic or benign to our knowledge

Illumina Laboratory Services, Illumina
Classification: Likely benign for Premature ovarian failure 5. Last evaluated: 2017-04-28. Review status: criteria provided, single submitter. Criteria: ICSL Variant Classification Criteria 13 December 2019. Collection method: clinical testing. Allele origin: germline.
Comment: This variant was observed as part of a predisposition screen in an ostensibly healthy population. A literature search was performed for the gene, cDNA change, and amino acid change (where applicable). No publications were found based on this search. Allele frequency data from public databases allowed determination this variant is unlikely to cause disease. Therefore, this variant is classified as likely benign.

Eurofins Ntd Llc (ga)
Classification: Uncertain significance. Last evaluated: 2017-04-11. Review status: criteria provided, single submitter. Criteria: EGL Classification Definitions 2015. Collection method: clinical testing. Allele origin: germline. Observed: 1 variant allele, 1 heterozygote.

PreventionGenetics, part of Exact Sciences
Classification: Benign for NOBOX-related condition. Last evaluated: 2020-01-24. Review status: no assertion criteria provided. Collection method: clinical testing. Allele origin: germline. Not counted in ClinVar's aggregate classification.
Comment: This variant is classified as benign based on ACMG/AMP sequence variant interpretation guidelines (Richards et al. 2015 PMID: 25741868, with internal and published modifications).

NM_001436401.1(NOBOX):c.107C>T (p.Pro36Leu)

Gene: NOBOX (NOBOX oogenesis homeobox; minus strand). Cytogenetic location: 7q35.
Variant type: single nucleotide variant.
Coding change: c.107C>T on transcript NM_001436401.1 (MANE Select); coding-DNA position 107, C replaced by T.
Protein change: p.Pro36Leu; replaces proline 36 with leucine.
Molecular consequence: missense variant. On other transcripts: intron variant (1).
Genome position (GRCh38, 1-based): chr7:144,401,528, G>A on the plus strand (C>T on the coding strand, the complement: NOBOX is on the minus strand). VCF-style: chr7-144401528-G-A. GRCh37 (hg19) VCF-style: chr7-144098621-G-A.
Other names: NM_001080413.3:c.362C>T; c.38-1216C>T (NM_001436402.1); short protein forms P36L.
Identifiers: ClinVar variation 359148 (VCV000359148.13), dbSNP rs187273709, ClinGen allele CA4544846.